The following is an entry in ClinVar:

ClinVar aggregate classification (germline): Uncertain significance. Review status: criteria provided, single submitter (1 of 4 stars). 2 submissions from 2 submitters: Uncertain significance (1). 1 of the submissions does not count toward it. Last evaluated 2025-01-22.

Submissions (2):

Mayo Clinic Laboratories, Mayo Clinic
Classification: Uncertain significance. Last evaluated: 2025-01-22. Review status: criteria provided, single submitter. Criteria: ACMG Guidelines, 2015. Collection method: clinical testing. Allele origin: germline. Observed: 1 variant allele.
Comment: PP3_moderate, PM1, PM2_supporting

Gharavi Laboratory, Columbia University
Classification: Uncertain significance. Last evaluated: 2018-09-16. Review status: no assertion criteria provided. Criteria: ACMG Guidelines, 2015. Collection method: research. Allele origin: germline. Affected: yes. Not counted in ClinVar's aggregate classification.

NM_000342.4(SLC4A1):c.2294T>C (p.Leu765Pro)

Gene: SLC4A1 (solute carrier family 4 member 1 (Diego blood group); minus strand). Cytogenetic location: 17q21.31.
Variant type: single nucleotide variant.
Coding change: c.2294T>C on transcript NM_000342.4 (MANE Select); coding-DNA position 2294, T replaced by C.
Protein change: p.Leu765Pro; replaces leucine 765 with proline.
Molecular consequence: missense variant.
Genome position (GRCh38, 1-based): chr17:44,253,135, A>G on the plus strand (T>C on the coding strand, the complement: SLC4A1 is on the minus strand). VCF-style: chr17-44253135-A-G. GRCh37 (hg19) VCF-style: chr17-42330503-A-G.
Other names: p.Leu765Pro; short protein forms L765P.
Identifiers: ClinVar variation 591618 (VCV000591618.2), dbSNP rs1567829187, ClinGen allele CA399781407.